The following is an entry in ClinVar:

NM_015978.3(TNNI3K):c.730C>T (p.Arg244Ter)

Genes: FPGT-TNNI3K (FPGT-TNNI3K readthrough; plus strand), TNNI3K (TNNI3 interacting kinase; plus strand). Cytogenetic location: 1p31.1.
Variant type: single nucleotide variant.
Coding change: c.730C>T on transcript NM_015978.3 (MANE Select); coding-DNA position 730, C replaced by T.
Protein change: p.Arg244Ter; replaces arginine 244 with a stop codon.
Molecular consequence: nonsense.
Genome position (GRCh38, 1-based): chr1:74,342,889, C>T. VCF-style: chr1-74342889-C-T. GRCh37 (hg19) VCF-style: chr1-74808573-C-T.
Other names: c.1033C>T, p.Arg345Ter (NM_001112808.3, NM_001199327.2); short protein forms R244*, R345*.
Identifiers: ClinVar variation 1429088 (VCV001429088.7), dbSNP rs56257331, ClinGen allele CA908996.

ClinVar aggregate classification (germline): Uncertain significance. Review status: criteria provided, multiple submitters, no conflicts (2 of 4 stars). 2 submissions from 2 submitters: Uncertain significance (2). Last evaluated 2026-01-12.

Allele frequency attached by ClinVar (database versions not stated): gnomAD 0.00001 and 0.00002; TOPMed 0.00001; ExAC 0.00002; gnomAD exomes 0.00002 and 0.00003; ESP Exome Variant Server 0.00008.
gnomAD v4.1: 28 of 1,613,658 alleles (0.0017%); highest among the groups gnomAD compares: South Asian, 0.0044%; no homozygotes.

Submissions (2):

Labcorp Genetics (formerly Invitae), Labcorp
Classification: Uncertain significance. Last evaluated: 2026-01-12. Review status: criteria provided, single submitter. Criteria: Invitae Variant Classification Sherloc (09022015). Collection method: clinical testing. Allele origin: germline.
Comment: This sequence change creates a premature translational stop signal (p.Arg244*) in the TNNI3K gene. It is expected to result in an absent or disrupted protein product. However, the current clinical and genetic evidence is not sufficient to establish whether loss-of-function variants in TNNI3K cause disease. This variant is present in population databases (rs56257331, gnomAD 0.006%). This variant has not been reported in the literature in individuals affected with TNNI3K-related conditions. ClinVar contains an entry for this variant (Variation ID: 1429088). In summary, the available evidence is currently insufficient to determine the role of this variant in disease. Therefore, it has been classified as a Variant of Uncertain Significance.

Breakthrough Genomics
Classification: Uncertain significance. Review status: criteria provided, single submitter. Criteria: ACMG Guidelines, 2015. Collection method: not provided. Allele origin: germline. Inheritance: Autosomal dominant inheritance. Affected: yes.